The following is an entry in ClinVar:

ClinVar aggregate classification (germline): Likely benign. Review status: criteria provided, multiple submitters, no conflicts (2 of 4 stars). 3 submissions from 3 submitters: Likely benign (3). Last evaluated 2025-01-09.

Conditions:
Familial hypercholesterolemia. Also called: Familial hypercholesterolemias; Familial hypercholesterolaemia. Identifiers: MedGen C0020445, MONDO:0005439.
Cardiovascular phenotype. Identifiers: MedGen CN230736.
Familial hypobetalipoproteinemia 1. Also called: Hypobetalipoproteinemia, normotriglyceridemic; Acanthocytosis with hypobetalipoproteinemia; APOB-Related Familial Hypobetalipoproteinemia. Identifiers: MedGen C4551990, MONDO:0014252, OMIM 615558.
Hypercholesterolemia, autosomal dominant, type B (FHCL2). Also called: Familial Hypercholesterolemia Type B; APOLIPOPROTEIN B-100, FAMILIAL DEFECTIVE; APOLIPOPROTEIN B-100, FAMILIAL LIGAND-DEFECTIVE; HYPERCHOLESTEROLEMIA, FAMILIAL, DUE TO LIGAND-DEFECTIVE APOLIPOPROTEIN B; APOB-Related Familial Hypercholesterolemia, Autosomal Dominant; Hyperlipoproteinemia Type IIb. Identifiers: MedGen C1704417, MONDO:0007751, OMIM 144010.

Allele frequency attached by ClinVar (database versions not stated): ExAC 0.00001; gnomAD exomes 0.00001.
gnomAD v4.1: 6 of 1,613,622 alleles (0.00037%); highest among the groups gnomAD compares: Admixed American, 0.0017%; no homozygotes.

Submissions (3):

GENinCode PLC
Classification: Likely benign for Familial hypercholesterolemia. Last evaluated: 2025-01-09. Review status: criteria provided, single submitter. Criteria: ACMG Guidelines, 2015. Collection method: clinical testing. Allele origin: germline.
Comment: This is a synonymous (silent) variant that is not predicted to impact splicing and occurs at a nucleotide which is not highly conserved. This variant has been classified as Likely Benign (BP4, BP7).

Labcorp Genetics (formerly Invitae), Labcorp
Classification: Likely benign for Familial hypobetalipoproteinemia 1; Hypercholesterolemia, autosomal dominant, type B. Last evaluated: 2021-05-07. Review status: criteria provided, single submitter. Criteria: Invitae Variant Classification Sherloc (09022015). Collection method: clinical testing. Allele origin: germline.

Ambry Genetics
Classification: Likely benign for Cardiovascular phenotype. Last evaluated: 2020-05-22. Review status: criteria provided, single submitter. Criteria: Ambry Variant Classification Scheme 2023. Collection method: clinical testing. Allele origin: germline.

NM_000384.3(APOB):c.6822G>A (p.Gln2274=)

Gene: APOB (apolipoprotein B; minus strand). Cytogenetic location: 2p24.1.
Variant type: single nucleotide variant.
Coding change: c.6822G>A on transcript NM_000384.3 (MANE Select); coding-DNA position 6822, G replaced by A.
Protein change: p.Gln2274=; no amino-acid change (glutamine 2274 retained).
Molecular consequence: synonymous variant.
Genome position (GRCh38, 1-based): chr2:21,010,046, C>T on the plus strand (G>A on the coding strand, the complement: APOB is on the minus strand). VCF-style: chr2-21010046-C-T. GRCh37 (hg19) VCF-style: chr2-21232918-C-T.
Identifiers: ClinVar variation 1129772 (VCV001129772.14), dbSNP rs762256882, ClinGen allele CA063588.